The following is an entry in ClinVar:

ClinVar aggregate classification (germline): Benign (1 of 4 stars; one submission).

Allele frequency attached by ClinVar (database versions not stated): gnomAD 0.01965 and 0.02114; 1000 Genomes Project 0.02177; TOPMed 0.02219; 1000 Genomes Project 30x 0.02514.
gnomAD v4.1: 2,968 of 152,104 alleles (2%); highest among the groups gnomAD compares: African/African-American, 6.8%; 84 homozygotes.

Submission:

GeneDx
Classification: Benign. Last evaluated: 2018-06-18. Review status: criteria provided, single submitter. Criteria: GeneDx Variant Classification (06012015). Collection method: clinical testing. Allele origin: germline. Affected: yes.
Comment: This variant is considered likely benign or benign based on one or more of the following criteria: it is a conservative change, it occurs at a poorly conserved position in the protein, it is predicted to be benign by multiple in silico algorithms, and/or has population frequency not consistent with disease.

NM_014391.3(ANKRD1):c.27+301C>T

Gene: ANKRD1 (ankyrin repeat domain 1; minus strand). Cytogenetic location: 10q23.31.
Variant type: single nucleotide variant.
Coding change: c.27+301C>T on transcript NM_014391.3 (MANE Select); 301 bases into the intron after coding-DNA position 27, C replaced by T.
Molecular consequence: intron variant.
Genome position (GRCh38, 1-based): chr10:90,920,700, G>A on the plus strand (C>T on the coding strand, the complement: ANKRD1 is on the minus strand). VCF-style: chr10-90920700-G-A. GRCh37 (hg19) VCF-style: chr10-92680457-G-A.
Identifiers: ClinVar variation 671826 (VCV000671826.1), dbSNP rs12244068, ClinGen allele CA211426114.